The following is an entry in ClinVar:

ClinVar aggregate classification (germline): Uncertain significance (1 of 4 stars; one submission).

Conditions:
CHARGE syndrome (CHARGE). Also called: Hittner Hirsch Kreh syndrome; CHARGE ASSOCIATION--COLOBOMA, HEART ANOMALY, CHOANAL ATRESIA, RETARDATION, GENITAL AND EAR ANOMALIES; Coloboma, heart anomaly, choanal atresia, retardation, genital and ear anomalies; CHARGE association; Hall-Hittner syndrome. Identifiers: Orphanet 138, MedGen C0265354, MONDO:0008965.

Submission:

Labcorp Genetics (formerly Invitae), Labcorp
Classification: Uncertain significance for CHARGE syndrome. Last evaluated: 2023-10-09. Review status: criteria provided, single submitter. Criteria: Invitae Variant Classification Sherloc (09022015). Collection method: clinical testing. Allele origin: germline.
Comment: This sequence change replaces tryptophan, which is neutral and slightly polar, with arginine, which is basic and polar, at codon 1388 of the CHD7 protein (p.Trp1388Arg). This variant is not present in population databases (gnomAD no frequency). This variant has not been reported in the literature in individuals affected with CHD7-related conditions. Advanced modeling of protein sequence and biophysical properties (such as structural, functional, and spatial information, amino acid conservation, physicochemical variation, residue mobility, and thermodynamic stability) performed at Invitae indicates that this missense variant is expected to disrupt CHD7 protein function. In summary, the available evidence is currently insufficient to determine the role of this variant in disease. Therefore, it has been classified as a Variant of Uncertain Significance.

NM_017780.4(CHD7):c.4162T>C (p.Trp1388Arg)

Gene: CHD7 (chromodomain helicase DNA binding protein 7; plus strand). Cytogenetic location: 8q12.2.
Variant type: single nucleotide variant.
Coding change: c.4162T>C on transcript NM_017780.4 (MANE Select); coding-DNA position 4162, T replaced by C.
Protein change: p.Trp1388Arg; replaces tryptophan 1388 with arginine.
Molecular consequence: missense variant. On other transcripts: intron variant (1).
Genome position (GRCh38, 1-based): chr8:60,836,989, T>C. VCF-style: chr8-60836989-T-C. GRCh37 (hg19) VCF-style: chr8-61749548-T-C.
Other names: c.1717-25240T>C (NM_001316690.1); short protein forms W1388R.
Identifiers: ClinVar variation 2767243 (VCV002767243.3), dbSNP rs2487904538, ClinGen allele CA371317014.